The following is an entry in ClinVar:

NM_000368.5(TSC1):c.1679G>T (p.Gly560Val)

Gene: TSC1 (TSC complex subunit 1; minus strand). Cytogenetic location: 9q34.13.
Variant type: single nucleotide variant.
Coding change: c.1679G>T on transcript NM_000368.5 (MANE Select); coding-DNA position 1679, G replaced by T.
Protein change: p.Gly560Val; replaces glycine 560 with valine.
Molecular consequence: missense variant.
Genome position (GRCh38, 1-based): chr9:132,905,899, C>A on the plus strand (G>T on the coding strand, the complement: TSC1 is on the minus strand). VCF-style: chr9-132905899-C-A. GRCh37 (hg19) VCF-style: chr9-135781286-C-A.
Other names: c.1676G>T, p.Gly559Val (NM_001162426.2); c.1526G>T, p.Gly509Val (NM_001162427.2); c.1316G>T, p.Gly439Val (NM_001362177.2); short protein forms G439V, G509V, G560V, G559V.
Identifiers: ClinVar variation 1448740 (VCV001448740.10), dbSNP rs1395737285, ClinGen allele CA375364270.
Genomic context (GRCh38, chr9:132,905,899, plus strand): 5'-ATACTGGTCTCCAAAGAAGTCTGGCATTCCCTGTCTCCCGCAGGGCTTTCATCAGCACTG[C>A]CGCAGGGCAGGTCTATGGGAGTAAAGGCTTGCTTTGGTGTGTCAGGCCCAAGCTTGTCCA-3'
Protein context (NP_000359.1, residues 550-570): QAFTPIDLPC[Gly560Val]SADESPAGDR

ClinVar aggregate classification (germline): Uncertain significance. Review status: criteria provided, multiple submitters, no conflicts (2 of 4 stars). 2 submissions from 2 submitters: Uncertain significance (2). Last evaluated 2022-03-24.

Conditions:
Hereditary cancer-predisposing syndrome. Also called: Tumor predisposition; Hereditary neoplastic syndrome; Hereditary Cancer Syndrome; Neoplastic Syndromes, Hereditary. Identifiers: Orphanet 140162, MedGen C0027672, MeSH D009386, MONDO:0015356.
Tuberous sclerosis 1 (TSC1). Identifiers: Orphanet 805, MedGen C1854465, MONDO:0008612, OMIM 191100.

Submissions (2):

Ambry Genetics
Classification: Uncertain significance for Hereditary cancer-predisposing syndrome. Last evaluated: 2022-03-24. Review status: criteria provided, single submitter. Criteria: Ambry Variant Classification Scheme 2023. Collection method: clinical testing. Allele origin: germline.
Comment: The p.G560V variant (also known as c.1679G>T), located in coding exon 13 of the TSC1 gene, results from a G to T substitution at nucleotide position 1679. The glycine at codon 560 is replaced by valine, an amino acid with dissimilar properties. This amino acid position is conserved. In addition, this alteration is predicted to be tolerated by in silico analysis. Since supporting evidence is limited at this time, the clinical significance of this alteration remains unclear.

Labcorp Genetics (formerly Invitae), Labcorp
Classification: Uncertain significance for Tuberous sclerosis 1. Last evaluated: 2021-01-25. Review status: criteria provided, single submitter. Criteria: Invitae Variant Classification Sherloc (09022015). Collection method: clinical testing. Allele origin: germline.
Comment: Algorithms developed to predict the effect of sequence changes on RNA splicing suggest that this variant may create or strengthen a splice site, but this prediction has not been confirmed by published transcriptional studies. Algorithms developed to predict the effect of missense changes on protein structure and function (SIFT, PolyPhen-2, Align-GVGD) all suggest that this variant is likely to be tolerated, but these predictions have not been confirmed by published functional studies and their clinical significance is uncertain. This variant has not been reported in the literature in individuals with TSC1-related conditions. This variant is not present in population databases (ExAC no frequency). This sequence change replaces glycine with valine at codon 560 of the TSC1 protein (p.Gly560Val). The glycine residue is moderately conserved and there is a moderate physicochemical difference between glycine and valine. In summary, the available evidence is currently insufficient to determine the role of this variant in disease. Therefore, it has been classified as a Variant of Uncertain Significance.